The following is an entry in ClinVar:

ClinVar aggregate classification (germline): Uncertain significance (1 of 4 stars; one submission).

Submission:

GeneDx
Classification: Uncertain significance. Last evaluated: 2022-09-15. Review status: criteria provided, single submitter. Criteria: GeneDx Variant Classification Process June 2021. Collection method: clinical testing. Allele origin: germline. Affected: yes.
Comment: Not observed at significant frequency in large population cohorts (gnomAD); In silico analysis supports that this missense variant does not alter protein structure/function; Has not been previously published as pathogenic or benign to our knowledge

NM_025219.3(DNAJC5):c.436A>G (p.Thr146Ala)

Gene: DNAJC5 (DnaJ heat shock protein family (Hsp40) member C5; plus strand). Cytogenetic location: 20q13.33.
Variant type: single nucleotide variant.
Coding change: c.436A>G on transcript NM_025219.3 (MANE Select); coding-DNA position 436, A replaced by G.
Protein change: p.Thr146Ala; replaces threonine 146 with alanine.
Molecular consequence: missense variant.
Genome position (GRCh38, 1-based): chr20:63,930,965, A>G. VCF-style: chr20-63930965-A-G. GRCh37 (hg19) VCF-style: chr20-62562318-A-G.
Other names: short protein forms T146A.
Identifiers: ClinVar variation 2444840 (VCV002444840.1), dbSNP rs757737652, ClinGen allele CA409719774.